The following is an entry in ClinVar:

NM_001267550.2(TTN):c.33247+1G>A

Gene: TTN (titin; minus strand). Cytogenetic location: 2q31.2.
Variant type: single nucleotide variant.
Coding change: c.33247+1G>A on transcript NM_001267550.2 (MANE Select); the canonical splice donor site of the intron after coding-DNA position 33247, G replaced by A.
Molecular consequence: splice donor variant. On other transcripts: intron variant (3).
Genome position (GRCh38, 1-based): chr2:178,681,375, C>T on the plus strand (G>A on the coding strand, the complement: TTN is on the minus strand). VCF-style: chr2-178681375-C-T. GRCh37 (hg19) VCF-style: chr2-179546102-C-T.
Other names: c.13283-39058G>A (NM_003319.4); c.13859-39058G>A (NM_133437.4); c.13658-39058G>A (NM_133432.3); c.29515+1G>A (NM_133378.4); c.32296+1G>A (NM_001256850.1).
Identifiers: ClinVar variation 4540744 (VCV004540744.1).

ClinVar aggregate classification (germline): Uncertain significance (1 of 4 stars; one submission).

gnomAD v4.1: 11 of 1,610,870 alleles (0.00068%); highest among the groups gnomAD compares: East Asian, 0.022%; no homozygotes.

Submission:

Mayo Clinic Laboratories, Mayo Clinic
Classification: Uncertain significance. Last evaluated: 2025-08-11. Review status: criteria provided, single submitter. Criteria: ACMG Guidelines, 2015. Collection method: clinical testing. Allele origin: germline. Observed: 1 variant allele.
Comment: PM2_supporting, PVS1_moderate